The following is an entry in ClinVar:

ClinVar aggregate classification (germline): Uncertain significance (1 of 4 stars; one submission).

Submission:

Women's Health and Genetics/Laboratory Corporation of America, LabCorp
Classification: Uncertain significance. Last evaluated: 2025-06-23. Review status: criteria provided, single submitter. Criteria: LabCorp Variant Classification Summary - May 2015. Collection method: clinical testing. Allele origin: germline.
Comment: Variant summary: ZBTB24 c.1223G>T (p.Cys408Phe) results in a non-conservative amino acid change in the encoded protein sequence. Algorithms developed to predict the effect of missense changes on protein structure and function are either unavailable or do not agree on the potential impact of this missense change. The variant was absent in 251398 control chromosomes. The available data on variant occurrences in the general population are insufficient to allow any conclusion about variant significance. To our knowledge, no occurrence of c.1223G>T in individuals affected with ICF Syndrome, Type 2 and no experimental evidence demonstrating its impact on protein function have been reported. A different variant affecting the same codon has been classified as likely pathogenic/pathogenic by our lab (c.1222T>G, p.Cys408Gly), supporting the critical relevance of codon 408 to ZBTB24 protein function. No submitters have cited clinical-significance assessments for this variant to ClinVar. Based on the evidence outlined above, the variant was classified as uncertain significance.

NM_014797.3(ZBTB24):c.1223G>T (p.Cys408Phe)

Gene: ZBTB24 (zinc finger and BTB domain containing 24; minus strand). Cytogenetic location: 6q21.
Variant type: single nucleotide variant.
Coding change: c.1223G>T on transcript NM_014797.3 (MANE Select); coding-DNA position 1223, G replaced by T.
Protein change: p.Cys408Phe; replaces cysteine 408 with phenylalanine.
Molecular consequence: missense variant.
Genome position (GRCh38, 1-based): chr6:109,475,464, C>A on the plus strand (G>T on the coding strand, the complement: ZBTB24 is on the minus strand). VCF-style: chr6-109475464-C-A. GRCh37 (hg19) VCF-style: chr6-109796667-C-A.
Other names: short protein forms C408F.
Identifiers: ClinVar variation 3907563 (VCV003907563.1).